The following is an entry in ClinVar:

ClinVar aggregate classification (germline): Uncertain significance (1 of 4 stars; one submission).

Allele frequency attached by ClinVar (database versions not stated): TOPMed below 0.00001.

Submission:

Labcorp Genetics (formerly Invitae), Labcorp
Classification: Uncertain significance. Last evaluated: 2021-09-21. Review status: criteria provided, single submitter. Criteria: Invitae Variant Classification Sherloc (09022015). Collection method: clinical testing. Allele origin: germline.
Comment: Algorithms developed to predict the effect of missense changes on protein structure and function are either unavailable or do not agree on the potential impact of this missense change (SIFT: "Deleterious"; PolyPhen-2: "Probably Damaging"; Align-GVGD: "Class C0"). In summary, the available evidence is currently insufficient to determine the role of this variant in disease. Therefore, it has been classified as a Variant of Uncertain Significance. This variant has not been reported in the literature in individuals affected with ARHGEF18-related conditions. The frequency data for this variant in the population databases is considered unreliable, as metrics indicate insufficient coverage at this position in the ExAC database. This sequence change replaces glycine with tryptophan at codon 5 of the ARHGEF18 protein (p.Gly5Trp). The glycine residue is moderately conserved and there is a large physicochemical difference between glycine and tryptophan.

NM_001367823.1(ARHGEF18):c.968-391G>T

Gene: ARHGEF18 (Rho/Rac guanine nucleotide exchange factor 18; plus strand). Cytogenetic location: 19p13.2.
Variant type: single nucleotide variant.
Coding change: c.968-391G>T on transcript NM_001367823.1 (MANE Select); 391 bases into the intron before coding-DNA position 968, G replaced by T.
Molecular consequence: intron variant. On other transcripts: 5 prime UTR variant (1).
Genome position (GRCh38, 1-based): chr19:7,439,953, G>T. VCF-style: chr19-7439953-G-T. GRCh37 (hg19) VCF-style: chr19-7504839-G-T.
Other names: c.-150G>T (NM_001130955.2); c.-226-236G>T (NM_001367824.1); c.-71-391G>T (NM_015318.4).
Identifiers: ClinVar variation 1491018 (VCV001491018.6), dbSNP rs1974518447, ClinGen allele CA403092457.